The following is an entry in ClinVar:

ClinVar aggregate classification (germline): Likely benign. Review status: criteria provided, multiple submitters, no conflicts (2 of 4 stars). 2 submissions from 2 submitters: Likely benign (2). Last evaluated 2026-04-14.

Conditions:
SMOC2-related disorder. Also called: SMOC2-related condition.

Allele frequency attached by ClinVar (database versions not stated): gnomAD exomes 0.00015; ExAC 0.00040; ESP Exome Variant Server 0.00054; TOPMed 0.00074; gnomAD 0.00078; 1000 Genomes Project 0.00280; 1000 Genomes Project 30x 0.00312.
gnomAD v4.1: 330 of 1,589,734 alleles (0.021%); highest among the groups gnomAD compares: African/African-American, 0.2%; no homozygotes.

Submissions (2):

PreventionGenetics, part of Exact Sciences
Classification: Likely benign for SMOC2-related condition. Last evaluated: 2026-04-14. Review status: criteria provided, single submitter. Criteria: ACMG Guidelines, 2015. Collection method: clinical testing. Allele origin: germline.
Comment: This variant is classified as likely benign based on ACMG/AMP sequence variant interpretation guidelines (Richards et al. 2015 PMID: 25741868, with internal and published modifications).

Labcorp Genetics (formerly Invitae), Labcorp
Classification: Likely benign. Last evaluated: 2024-10-22. Review status: criteria provided, single submitter. Criteria: Invitae Variant Classification Sherloc (09022015). Collection method: clinical testing. Allele origin: germline.

NM_001166412.2(SMOC2):c.824+3A>G

Gene: SMOC2 (SPARC related modular calcium binding 2; plus strand). Cytogenetic location: 6q27.
Variant type: single nucleotide variant.
Coding change: c.824+3A>G on transcript NM_001166412.2 (MANE Select); 3 bases into the intron after coding-DNA position 824, A replaced by G.
Molecular consequence: intron variant.
Genome position (GRCh38, 1-based): chr6:168,599,007, A>G. VCF-style: chr6-168599007-A-G. GRCh37 (hg19) VCF-style: chr6-168999687-A-G.
Other names: c.857+3A>G (NM_022138.3, NM_022138.2).
Identifiers: ClinVar variation 2058571 (VCV002058571.5), dbSNP rs188541294, ClinGen allele CA4102285.